The following is an entry in ClinVar:

NM_004360.5(CDH1):c.438T>C (p.Ser146=)

Gene: CDH1 (cadherin 1; plus strand). Cytogenetic location: 16q22.1.
Variant type: single nucleotide variant.
Coding change: c.438T>C on transcript NM_004360.5 (MANE Select); coding-DNA position 438, T replaced by C.
Protein change: p.Ser146=; no amino-acid change (serine 146 retained).
Molecular consequence: synonymous variant. On other transcripts: 5 prime UTR variant (2).
Genome position (GRCh38, 1-based): chr16:68,808,474, T>C. VCF-style: chr16-68808474-T-C. GRCh37 (hg19) VCF-style: chr16-68842377-T-C.
Other names: c.438T>C, p.Ser146= (NM_001317184.2); c.-1178T>C (NM_001317185.2); c.-1382T>C (NM_001317186.2).
Identifiers: ClinVar variation 1632030 (VCV001632030.12), dbSNP rs2152129677, ClinGen allele CA496392182.

ClinVar aggregate classification (germline): Benign/Likely benign. Review status: criteria provided, multiple submitters, no conflicts (2 of 4 stars). 4 submissions from 4 submitters: Benign (1); Likely benign (3). Last evaluated 2024-09-13.

Conditions:
Hereditary cancer-predisposing syndrome. Also called: Hereditary Cancer Syndrome; Tumor predisposition; Neoplastic Syndromes, Hereditary; Hereditary neoplastic syndrome. Identifiers: Orphanet 140162, MedGen C0027672, MeSH D009386, MONDO:0015356.
Hereditary diffuse gastric adenocarcinoma (HDGC). Also called: DIFFUSE GASTRIC AND LOBULAR BREAST CANCER SYNDROME. Identifiers: Orphanet 26106, MedGen C1708349, MONDO:0007648, OMIM 137215.

gnomAD v4.1: 2 of 1,614,072 alleles (0.00012%); highest among the groups gnomAD compares: Non-Finnish European, 0.00017%; no homozygotes.

Submissions (4):

Myriad Genetics, Inc.
Classification: Benign for Hereditary diffuse gastric adenocarcinoma. Last evaluated: 2024-09-13. Review status: criteria provided, single submitter. Criteria: Myriad Autosomal Dominant, Autosomal Recessive and X-Linked Classification Criteria (2023). Collection method: clinical testing. Allele origin: unknown.
Comment: This variant is considered benign. This variant is a silent/synonymous amino acid change and it is not expected to impact splicing.

Labcorp Genetics (formerly Invitae), Labcorp
Classification: Likely benign for Hereditary diffuse gastric adenocarcinoma. Last evaluated: 2024-08-04. Review status: criteria provided, single submitter. Criteria: Invitae Variant Classification Sherloc (09022015). Collection method: clinical testing. Allele origin: germline.

Color Diagnostics, LLC DBA Color Health
Classification: Likely benign for Hereditary cancer-predisposing syndrome. Last evaluated: 2024-03-10. Review status: criteria provided, single submitter. Criteria: ACMG Guidelines, 2015. Collection method: clinical testing. Allele origin: germline.

Ambry Genetics
Classification: Likely benign for Hereditary cancer-predisposing syndrome. Last evaluated: 2020-07-30. Review status: criteria provided, single submitter. Criteria: Ambry Variant Classification Scheme 2023. Collection method: clinical testing. Allele origin: germline.